The following is an entry in ClinVar:

ClinVar aggregate classification (germline): Conflicting classifications of pathogenicity. Review status: criteria provided, conflicting classifications (1 of 4 stars). 10 submissions from 10 submitters: Uncertain significance (6); Benign (1); Likely benign (2). 1 of the submissions does not count toward it. Last evaluated 2025-07-28.

Conditions:
ANKRD26-related disorder. Also called: ANKRD26-related condition.
Inborn genetic diseases. Identifiers: MedGen C0950123, MeSH D030342.
Thrombocytopenia 2 (THC2). Also called: ANKRD26-Related Thrombocytopenia. Identifiers: Orphanet 268322, MedGen C1861185, MONDO:0008555, OMIM 188000.

Allele frequency attached by ClinVar (database versions not stated): gnomAD 0.00002 and 0.00003; gnomAD exomes 0.00003 and 0.00005; ExAC 0.00005; TOPMed 0.00006; ESP Exome Variant Server 0.00008.
gnomAD v4.1: 81 of 1,613,666 alleles (0.005%); highest among the groups gnomAD compares: Middle Eastern, 0.016%; no homozygotes.

Submissions (10):

Labcorp Genetics (formerly Invitae), Labcorp
Classification: Uncertain significance. Last evaluated: 2025-07-28. Review status: criteria provided, single submitter. Criteria: Invitae Variant Classification Sherloc (09022015). Collection method: clinical testing. Allele origin: germline.
Comment: This sequence change replaces threonine, which is neutral and polar, with alanine, which is neutral and non-polar, at codon 385 of the ANKRD26 protein (p.Thr385Ala). This variant is present in population databases (rs375318218, gnomAD 0.006%). This variant has not been reported in the literature in individuals affected with ANKRD26-related conditions. ClinVar contains an entry for this variant (Variation ID: 299752). An algorithm developed to predict the effect of missense changes on protein structure and function (PolyPhen-2) suggests that this variant is likely to be tolerated. In summary, the available evidence is currently insufficient to determine the role of this variant in disease. Therefore, it has been classified as a Variant of Uncertain Significance.

Laboratory of Genetics, Children's Clinical University Hospital Latvia
Classification: Likely benign. Last evaluated: 2025-02-16. Review status: criteria provided, single submitter. Criteria: ACMG Guidelines, 2015. Collection method: clinical testing. Allele origin: germline. Affected: yes.

Ambry Genetics
Classification: Uncertain significance for Inborn genetic diseases. Last evaluated: 2024-11-18. Review status: criteria provided, single submitter. Criteria: Ambry Variant Classification Scheme 2023. Collection method: clinical testing. Allele origin: germline.
Comment: The p.T385A variant (also known as c.1153A>G), located in coding exon 10 of the ANKRD26 gene, results from an A to G substitution at nucleotide position 1153. The threonine at codon 385 is replaced by alanine, an amino acid with similar properties. This amino acid position is conserved. In addition, this alteration is predicted to be tolerated by in silico analysis. Based on the available evidence, the clinical significance of this variant remains unclear.

Blueprint Genetics
Classification: Likely benign. Last evaluated: 2024-11-04. Review status: criteria provided, single submitter. Criteria: ACMG Guidelines, 2015. Collection method: clinical testing. Allele origin: germline.

Women's Health and Genetics/Laboratory Corporation of America, LabCorp
Classification: Uncertain significance. Last evaluated: 2024-01-11. Review status: criteria provided, single submitter. Criteria: LabCorp Variant Classification Summary - May 2015. Collection method: clinical testing. Allele origin: germline.
Comment: Variant summary: ANKRD26 c.1153A>G (p.Thr385Ala) results in a non-conservative amino acid change in the encoded protein sequence. Four of five in-silico tools predict a benign effect of the variant on protein function. The variant allele was found at a frequency of 2.8e-05 in 249370 control chromosomes. The available data on variant occurrences in the general population are insufficient to allow any conclusion about variant significance. To our knowledge, no occurrence of c.1153A>G in individuals affected with Thrombocytopenia 2 and no experimental evidence demonstrating its impact on protein function have been reported. ClinVar contains an entry for this variant (Variation ID: 299752). Based on the evidence outlined above, the variant was classified as uncertain significance.

GeneDx
Classification: Uncertain significance. Last evaluated: 2023-12-20. Review status: criteria provided, single submitter. Criteria: GeneDx Variant Classification Process June 2021. Collection method: clinical testing. Allele origin: germline.
Comment: Has not been previously published as pathogenic or benign to our knowledge; In silico analysis supports that this missense variant does not alter protein structure/function; This variant is associated with the following publications: (PMID: 27535533)

Mayo Clinic Laboratories, Mayo Clinic
Classification: Uncertain significance. Last evaluated: 2023-09-14. Review status: criteria provided, single submitter. Criteria: ACMG Guidelines, 2015. Collection method: clinical testing. Allele origin: germline. Observed: 1 variant allele.
Comment: BP4, PM2_moderate

Genetic Services Laboratory, University of Chicago
Classification: Uncertain significance. Last evaluated: 2018-08-14. Review status: criteria provided, single submitter. Criteria: ACMG Guidelines, 2015. Collection method: clinical testing. Allele origin: germline. Affected: no.

Illumina Laboratory Services, Illumina
Classification: Benign for Thrombocytopenia 2. Last evaluated: 2018-01-12. Review status: criteria provided, single submitter. Criteria: ICSL Variant Classification Criteria 13 December 2019. Collection method: clinical testing. Allele origin: germline.
Comment: This variant was observed in the ICSL laboratory as part of a predisposition screen in an ostensibly healthy population. It had not been previously curated by ICSL or reported in the Human Gene Mutation Database (HGMD: prior to June 1st, 2018), and was therefore a candidate for classification through an automated scoring system. Utilizing variant allele frequency, disease prevalence and penetrance estimates, and inheritance mode, an automated score was calculated to assess if this variant is too frequent to cause the disease. Based on the score and internal cut-off values, a variant classified as benign is not then subjected to further curation. The score for this variant resulted in a classification of benign for this disease.

PreventionGenetics, part of Exact Sciences
Classification: Uncertain significance for ANKRD26-related condition. Last evaluated: 2024-06-29. Review status: no assertion criteria provided. Collection method: clinical testing. Allele origin: germline. Not counted in ClinVar's aggregate classification.
Comment: The ANKRD26 c.1153A>G variant is predicted to result in the amino acid substitution p.Thr385Ala. To our knowledge, this variant has not been reported in the literature. This variant is reported in 0.0058% of alleles in individuals of Latino descent in gnomAD. At this time, the clinical significance of this variant is uncertain due to the absence of conclusive functional and genetic evidence.

NM_014915.3(ANKRD26):c.1153A>G (p.Thr385Ala)

Gene: ANKRD26 (ankyrin repeat domain 26; minus strand). Cytogenetic location: 10p12.1.
Variant type: single nucleotide variant.
Coding change: c.1153A>G on transcript NM_014915.3 (MANE Select); coding-DNA position 1153, A replaced by G.
Protein change: p.Thr385Ala; replaces threonine 385 with alanine.
Molecular consequence: missense variant.
Genome position (GRCh38, 1-based): chr10:27,067,211, T>C on the plus strand (A>G on the coding strand, the complement: ANKRD26 is on the minus strand). VCF-style: chr10-27067211-T-C. GRCh37 (hg19) VCF-style: chr10-27356140-T-C.
Other names: p.Thr385Ala; c.1153A>G, p.Thr385Ala (NM_001256053.2); short protein forms T385A.
Identifiers: ClinVar variation 299752 (VCV000299752.21), dbSNP rs375318218, ClinGen allele CA5448678.